The following is an entry in ClinVar:

NM_007294.4(BRCA1):c.5408G>C (p.Gly1803Ala)

Gene: BRCA1 (BRCA1 DNA repair associated; minus strand). Cytogenetic location: 17q21.31.
Variant type: single nucleotide variant.
Coding change: c.5408G>C on transcript NM_007294.4 (MANE Select); coding-DNA position 5408, G replaced by C.
Protein change: p.Gly1803Ala; replaces glycine 1803 with alanine.
Molecular consequence: missense variant. On other transcripts: synonymous variant (17).
Genome position (GRCh38, 1-based): chr17:43,047,702, C>G on the plus strand (G>C on the coding strand, the complement: BRCA1 is on the minus strand). VCF-style: chr17-43047702-C-G. GRCh37 (hg19) VCF-style: chr17-41199719-C-G.
Other names: 5527G>C; c.5195G>C, p.Gly1732Ala (NM_001407571.1, NM_001407894.1, NM_001407895.1 and 12 more transcripts); c.5474G>C, p.Gly1825Ala (NM_001407581.1, NM_001407582.1); c.5471G>C, p.Gly1824Ala (NM_001407583.1, NM_001407585.1, NM_001407587.1 and 1 more transcripts); c.5468G>C, p.Gly1823Ala (NM_001407590.1, NM_001407591.1); c.5408G>C, p.Gly1803Ala (NM_001407593.1, NM_001407594.1, NM_001407596.1 and 5 more transcripts); c.5405G>C, p.Gly1802Ala (NM_001407610.1, NM_001407611.1, NM_001407612.1 and 14 more transcripts); c.5402G>C, p.Gly1801Ala (NM_001407627.1, NM_001407628.1, NM_001407629.1 and 13 more transcripts); and 84 more; short protein forms G1803A, G1824A, G699A, G1756A, G1506A, G1676A, G1714A, G1735A.
Identifiers: ClinVar variation 37668 (VCV000037668.65), dbSNP rs80357149, ClinGen allele CA003574.
Genomic context (GRCh38, chr17:43,047,702, plus strand): 5'-CCATGGAAGCCATTGTCCTCTGTCCAGGCATCTGGCTGCACAACCACAATTGGGTGGACA[C>G]CCTGGATCCCCAGGAAGGAAAGAGCATTCAAAGTGTCAAAGTAGGACTACTGGAACTGTC-3'
Protein context (NP_009225.1, residues 1793-1813): KELSSFTLGT[Gly1803Ala]VHPIVVVQPD

ClinVar aggregate classification (germline): Pathogenic/Likely pathogenic. Review status: criteria provided, multiple submitters, no conflicts (2 of 4 stars). 7 submissions from 7 submitters: Pathogenic (2); Likely pathogenic (3). 2 of the submissions do not count toward it. Last evaluated 2025-10-20.

Conditions:
Hereditary cancer-predisposing syndrome. Also called: Neoplastic Syndromes, Hereditary; Tumor predisposition; Hereditary Cancer Syndrome; Hereditary neoplastic syndrome. Identifiers: Orphanet 140162, MedGen C0027672, MeSH D009386, MONDO:0015356.
Hereditary breast ovarian cancer syndrome. Also called: Hereditary breast and ovarian cancer; Breast and ovarian cancer; Hereditary breast and/or ovarian cancer syndrome; Hereditary breast and ovarian cancer syndrome (HBOC); Hereditary breast and ovarian cancer syndrome; BRCA1- and BRCA2-Associated Hereditary Breast and Ovarian Cancer. Identifiers: Orphanet 145, MedGen C0677776, MeSH D061325, MONDO:0003582. Disease mechanism: loss of function.
Breast-ovarian cancer, familial, susceptibility to, 1 (BROVCA1). Also called: OVARIAN CANCER, SUSCEPTIBILITY TO; BRCA1 Hereditary Breast and Ovarian Cancer. Identifiers: Orphanet 145, MedGen C2676676, MONDO:0011450, OMIM 604370. Disease mechanism: loss of function.

gnomAD v4.1: 1 of 1,614,158 alleles (0.000062%); highest among the groups gnomAD compares: Non-Finnish European, 0.000085%; no homozygotes.

Submissions (8):

Quest Diagnostics Nichols Institute San Juan Capistrano
Classification: Likely pathogenic. Last evaluated: 2025-10-20. Review status: criteria provided, single submitter. Criteria: Quest Diagnostics criteria. Collection method: clinical testing. Allele origin: unknown.
Comment: The BRCA1 c.5408G>C (p.Gly1803Ala) variant has been reported in the published literature in an individual with ovarian cancer (PMID: 23239986 (2012)). Assessment of experimental evidence suggests that this variant affects the transactivation activity of the BRCA1 protein (PMID: 20516115 (2010), 28781887 (2016)). In addition, studies have shown that this variant causes aberrant splicing resulting in out-of-frame skipping of exon 23 (PMID: 23239986 (2012), 25724305 (2015)). This variant was reported in a multifactorial likelihood study (PMID: 31131967 (2019)). This variant has not been reported in large, multi-ethnic general populations (Genome Aggregation Database).

Labcorp Genetics (formerly Invitae), Labcorp
Classification: Pathogenic for Hereditary breast ovarian cancer syndrome. Last evaluated: 2025-09-03. Review status: criteria provided, single submitter. Criteria: Invitae Variant Classification Sherloc (09022015). Collection method: clinical testing. Allele origin: germline.
Comment: This sequence change replaces glycine, which is neutral and non-polar, with alanine, which is neutral and non-polar, at codon 1803 of the BRCA1 protein (p.Gly1803Ala). RNA analysis indicates that this missense change induces altered splicing and likely disrupts the C-terminus of the protein. This variant is not present in population databases (gnomAD no frequency). This missense change has been observed in individual(s) with ovarian cancer (PMID: 23239986). This variant is also known as 5527G>C. ClinVar contains an entry for this variant (Variation ID: 37668). An algorithm developed to predict the effect of missense changes on protein structure and function outputs the following: PolyPhen-2: "Benign". The alanine amino acid residue is found in multiple mammalian species, which suggests that this missense change does not adversely affect protein function. Experimental studies are conflicting or provide insufficient evidence to determine the effect of this variant on BRCA1 function (PMID: 20516115, 30209399, 30765603). Studies have shown that this missense change results in skipping of exon 22 (also known as exon 23) and introduces a new termination codon (PMID: 23239986, 25724305). However the mRNA is not expected to undergo nonsense-mediated decay. This variant disrupts a region of the BRCA1 protein in which other variant(s) (p.Tyr1853*) have been determined to be pathogenic (PMID: 7894493, 10811118, 11739404, 12400015, 20104584, 21922593, 24504028). This suggests that this is a clinically significant region of the protein, and that variants that disrupt it are likely to be disease-causing. For these reasons, this variant has been classified as Pathogenic.

Ambry Genetics
Classification: Likely pathogenic for Hereditary cancer-predisposing syndrome. Last evaluated: 2025-08-25. Review status: criteria provided, single submitter. Criteria: Ambry Variant Classification Scheme 2023. Collection method: clinical testing. Allele origin: germline.
Comment: The p.G1803A variant (also known as c.5408G>C), located in coding exon 21 of the BRCA1 gene, results from a G to C substitution at nucleotide position 5408. The glycine at codon 1803 is replaced by alanine, an amino acid with similar properties. This alteration was reported in several German families with a clinical history suggestive of hereditary breast and ovarian cancer (Wappenschmidt B et al. PLoS ONE. 2012 Dec;7:e50800; personal communication). Functional assays with the protein harboring the missense change demonstrated that this alteration has no effect on protein folding, binding activity or binding specificity, but may have compromised transactivation activity (Lee MS et al. Cancer Res. 2010 Jun;70:4880-90; Woods NT et al. Genomic Medicine. 2016: 1:16001). A transcription activation assay found that this variant had <80% activity relative to wildtype and was, thus, considered deleterious (Fernandes VC et al. J. Biol. Chem.. 2019 04;294:5980-5992). One functional study found that this nucleotide substitution is functional in a high throughput genome editing haploid cell survival assay (Findlay GM et al. Nature. 2018 Oct;562(7726):217-222). In addition, the in silico prediction for this alteration is inconclusive. This amino acid position is not well conserved in available vertebrate species. However, RNA experiments demonstrate that this alteration causes out-of-frame skipping of exon 23 (coding exon 21) (Ambry internal data; Wappenschmidt B et al. PLoS ONE. 2012 Dec;7:e50800; Ahlborn LB et al. Breast Cancer Res. Treat. 2015 Apr;150:289-98). This variant is considered to be rare based on population cohorts in the Genome Aggregation Database (gnomAD). Based on the majority of available evidence to date, this variant is likely to be pathogenic.

Color Diagnostics, LLC DBA Color Health
Classification: Likely pathogenic for Hereditary cancer-predisposing syndrome. Last evaluated: 2024-07-02. Review status: criteria provided, single submitter. Criteria: ACMG Guidelines, 2015. Collection method: clinical testing. Allele origin: germline.
Comment: This missense variant replaces glycine with alanine at codon 1803 of the BRCA1 protein. This variant located in exon 22 at 2 basepairs from the intron 21 splice acceptor site. RNA studies have shown that this variant causes out-of-frame skipping of exon 22 resulting in premature truncation in carrier RNA and corroborated by a minigene splicing assay (PMID: 23239986, 25724305). Functional studies have reported that the missense change in the variant protein impacted transcription activation (PMID: 20516115, 28781887) but did not affect BRCA1 in a haploid cell proliferation assay (PMID: 30209399). This variant has been detected one individual each affected with ovarian cancer or both breast and ovarian cancer (PMID: 23239986; Color internal data). A multifactorial analysis has reported likelihood ratios for pathogenicity based on co-segregation, tumor pathology, co-occurrence with a pathogenic co-variant and family history of 0.9685, 3.73, 1.1026 and 1.304, respectively (PMID: 31131967). This variant has not been identified in the general population by the Genome Aggregation Database (gnomAD). Loss of BRCA1 function is a known mechanism of disease. Based on the available evidence, this variant is classified as Likely Pathogenic.

CeGaT Center for Human Genetics Tuebingen
Classification: Pathogenic. Last evaluated: 2019-04-01. Review status: criteria provided, single submitter. Criteria: CeGaT Center For Human Genetics Tuebingen Variant Classification Criteria Version 2. Collection method: clinical testing. Allele origin: germline. Affected: yes. Observed: 1 variant allele.

Sharing Clinical Reports Project (SCRP)
Classification: Uncertain significance for Breast-ovarian cancer, familial 1. Last evaluated: 2012-04-05. Review status: no assertion criteria provided. Collection method: clinical testing. Allele origin: germline. Not counted in ClinVar's aggregate classification.

Breast Cancer Information Core (BIC) (BRCA1)
Classification: Uncertain significance for Breast-ovarian cancer, familial 1. Last evaluated: 2004-02-20. Review status: no assertion criteria provided. Collection method: clinical testing. Allele origin: germline. Affected: yes. Observed: 3 variant alleles. Not counted in ClinVar's aggregate classification.

Brotman Baty Institute, University of Washington
No classification provided (evidence only). Condition: Breast-ovarian cancer, familial 1. Review status: no classification provided. Collection method: in vitro. Allele origin: not applicable. Functional consequence: functionally_normal. Not counted in ClinVar's aggregate classification.
ClinVar note: "not provided" was previously submitted as the classification for the variant. However, the classification appeared to be based only on an observation of functional data so it was converted to no classification on 2025-07-30.

Literature cited by the submitters: PubMed 20516115 (cited by 4 submitters); PubMed 14534301 (cited by Quest Diagnostics Nichols Institute San Juan Capistrano); PubMed 15172985 (cited by Quest Diagnostics Nichols Institute San Juan Capistrano and Ambry Genetics); PubMed 17305420 (cited by Quest Diagnostics Nichols Institute San Juan Capistrano and Ambry Genetics); PubMed 23239986 (cited by 4 submitters); PubMed 28781887 (cited by 3 submitters); PubMed 25724305 (cited by 4 submitters); PubMed 29750258 (cited by Quest Diagnostics Nichols Institute San Juan Capistrano); PubMed 30765603 (cited by 3 submitters); PubMed 30209399 (cited by 4 submitters); PubMed 38709234 (cited by Quest Diagnostics Nichols Institute San Juan Capistrano); PubMed 31131967 (cited by Quest Diagnostics Nichols Institute San Juan Capistrano and Color Diagnostics, LLC DBA Color Health); PubMed 7894493 (cited by Labcorp Genetics (formerly Invitae), Labcorp); PubMed 10811118 (cited by Labcorp Genetics (formerly Invitae), Labcorp); PubMed 11739404 (cited by Labcorp Genetics (formerly Invitae), Labcorp); PubMed 12400015 (cited by Labcorp Genetics (formerly Invitae), Labcorp); PubMed 20104584 (cited by Labcorp Genetics (formerly Invitae), Labcorp); PubMed 21922593 (cited by Labcorp Genetics (formerly Invitae), Labcorp); PubMed 24504028 (cited by Labcorp Genetics (formerly Invitae), Labcorp); PubMed 10946236 (cited by Ambry Genetics); PubMed 25782689 (cited by Ambry Genetics); PubMed 8807330 (cited by Ambry Genetics).